The following is an entry in ClinVar:

ClinVar aggregate classification (germline): Uncertain significance. Review status: criteria provided, multiple submitters, no conflicts (2 of 4 stars). 2 submissions from 2 submitters: Uncertain significance (2). Last evaluated 2025-06-18.

Conditions:
Familial sleep-related hypermotor epilepsy. Also called: Autosomal Dominant Sleep-Related Hypermotor (Hyperkinetic) Epilepsy. Identifiers: Orphanet 98784, MedGen C3696898, MONDO:0000030.
Inborn genetic diseases. Identifiers: MedGen C0950123, MeSH D030342.

Allele frequency attached by ClinVar (database versions not stated): TOPMed 0.00002; ExAC 0.00001; gnomAD 0.00001.

Submissions (2):

Ambry Genetics
Classification: Uncertain significance for Inborn genetic diseases. Last evaluated: 2025-06-18. Review status: criteria provided, single submitter. Criteria: Ambry Variant Classification Scheme 2023. Collection method: clinical testing. Allele origin: germline.

Labcorp Genetics (formerly Invitae), Labcorp
Classification: Uncertain significance. Last evaluated: 2022-12-25. Review status: criteria provided, single submitter. Criteria: Invitae Variant Classification Sherloc (09022015). Collection method: clinical testing. Allele origin: germline.
Comment: This sequence change replaces aspartic acid, which is acidic and polar, with asparagine, which is neutral and polar, at codon 217 of the CHRNB2 protein (p.Asp217Asn). This variant is present in population databases (rs776225559, gnomAD 0.01%). This variant has not been reported in the literature in individuals affected with CHRNB2-related conditions. Advanced modeling of protein sequence and biophysical properties (such as structural, functional, and spatial information, amino acid conservation, physicochemical variation, residue mobility, and thermodynamic stability) performed at Invitae indicates that this missense variant is not expected to disrupt CHRNB2 protein function. In summary, the available evidence is currently insufficient to determine the role of this variant in disease. Therefore, it has been classified as a Variant of Uncertain Significance.

NM_000748.3(CHRNB2):c.649G>A (p.Asp217Asn)

Gene: CHRNB2 (cholinergic receptor nicotinic beta 2 subunit; plus strand). Cytogenetic location: 1q21.3.
Variant type: single nucleotide variant.
Coding change: c.649G>A on transcript NM_000748.3 (MANE Select); coding-DNA position 649, G replaced by A.
Protein change: p.Asp217Asn; replaces aspartic acid 217 with asparagine.
Molecular consequence: missense variant.
Genome position (GRCh38, 1-based): chr1:154,571,472, G>A. VCF-style: chr1-154571472-G-A. GRCh37 (hg19) VCF-style: chr1-154543948-G-A.
Other names: short protein forms D217N.
Identifiers: ClinVar variation 2377509 (VCV002377509.6), dbSNP rs776225559, ClinGen allele CA1130759.